The following is an entry in ClinVar:

ClinVar aggregate classification (germline): Pathogenic (1 of 4 stars; one submission).

Submission:

Labcorp Genetics (formerly Invitae), Labcorp
Classification: Pathogenic. Last evaluated: 2024-02-16. Review status: criteria provided, single submitter. Criteria: Invitae Variant Classification Sherloc (09022015). Collection method: clinical testing. Allele origin: germline.
Comment: This sequence change creates a premature translational stop signal (p.Pro923Leufs*18) in the CEP152 gene. It is expected to result in an absent or disrupted protein product. Loss-of-function variants in CEP152 are known to be pathogenic (PMID: 21131973). This variant is not present in population databases (gnomAD no frequency). This variant has not been reported in the literature in individuals affected with CEP152-related conditions. For these reasons, this variant has been classified as Pathogenic.

Literature cited by the submitters: PubMed 21131973.

NM_001194998.2(CEP152):c.2768del (p.Pro923fs)

Gene: CEP152 (centrosomal protein 152; minus strand). Cytogenetic location: 15q21.1.
Variant type: Deletion.
Coding change: c.2768del on transcript NM_001194998.2 (MANE Select); coding-DNA position 2768, one base deleted (C; older notation c.2768delC).
Protein change: p.Pro923fs; shifts the reading frame from proline 923.
Molecular consequence: frameshift variant.
Genome position (GRCh38, 1-based): chr15:48,756,480, G deleted on the plus strand (C on the coding strand, the reverse complement: CEP152 is on the minus strand); the first of 2 consecutive G bases (chr15:48,756,480-48,756,481); deleting either gives the same sequence. VCF-style (leftmost placement, unchanged base first): chr15-48756479-AG-A. GRCh37 (hg19) VCF-style: chr15-49048676-AG-A.
Other names: c.2768del, p.Pro923fs (NM_014985.4); short protein forms P923fs.
Identifiers: ClinVar variation 3641274 (VCV003641274.2).